The following is an entry in ClinVar:

NM_002693.3(POLG):c.1066C>A (p.Leu356Met)

Gene: POLG (DNA polymerase gamma, catalytic subunit; minus strand). Cytogenetic location: 15q26.1.
Variant type: single nucleotide variant.
Coding change: c.1066C>A on transcript NM_002693.3 (MANE Select); coding-DNA position 1066, C replaced by A.
Protein change: p.Leu356Met; replaces leucine 356 with methionine.
Molecular consequence: missense variant.
Genome position (GRCh38, 1-based): chr15:89,328,789, G>T on the plus strand (C>A on the coding strand, the complement: POLG is on the minus strand). VCF-style: chr15-89328789-G-T. GRCh37 (hg19) VCF-style: chr15-89872020-G-T.
Other names: c.1066C>A, p.Leu356Met (NM_001126131.2); short protein forms L356M.
Identifiers: ClinVar variation 3636645 (VCV003636645.2).
Genomic context (GRCh38, chr15:89,328,789, plus strand): 5'-GTTCTCGAGGCTCCTTCTCTAAGGGAGGCCCCCCTACATAAAGTCTGTGCACCTCTGCCA[G>T]ACTGTTGACACTGCTGATGTCCAGCCAGTCCCAGGATGAGATCTGGGGAACCAGAGCAAG-3'
Protein context (NP_002684.1, residues 346-366): DWLDISSVNS[Leu356Met]AEVHRLYVGG

ClinVar aggregate classification (germline): Uncertain significance (1 of 4 stars; one submission).

Conditions:
Progressive sclerosing poliodystrophy (MTDPS4A). Also called: ALPERS PROGRESSIVE INFANTILE POLIODYSTROPHY; NEURONAL DEGENERATION OF CHILDHOOD WITH LIVER DISEASE, PROGRESSIVE; Alpers Syndrome; ALPERS DIFFUSE DEGENERATION OF CEREBRAL GRAY MATTER WITH HEPATIC CIRRHOSIS; Alpers-Huttenlocher Syndrome; Mitochondrial DNA depletion syndrome 4A (Alpers type). Identifiers: Orphanet 726, MedGen C0205710, MONDO:0008758, OMIM 203700.

Submission:

Labcorp Genetics (formerly Invitae), Labcorp
Classification: Uncertain significance for Progressive sclerosing poliodystrophy. Last evaluated: 2024-07-11. Review status: criteria provided, single submitter. Criteria: Invitae Variant Classification Sherloc (09022015). Collection method: clinical testing. Allele origin: germline.
Comment: This sequence change replaces leucine, which is neutral and non-polar, with methionine, which is neutral and non-polar, at codon 356 of the POLG protein (p.Leu356Met). This variant is not present in population databases (gnomAD no frequency). This variant has not been reported in the literature in individuals affected with POLG-related conditions. Advanced modeling of protein sequence and biophysical properties (such as structural, functional, and spatial information, amino acid conservation, physicochemical variation, residue mobility, and thermodynamic stability) performed at Invitae indicates that this missense variant is expected to disrupt POLG protein function with a positive predictive value of 95%. In summary, the available evidence is currently insufficient to determine the role of this variant in disease. Therefore, it has been classified as a Variant of Uncertain Significance.